The following is an entry in ClinVar:

ClinVar aggregate classification (germline): Uncertain significance (1 of 4 stars; one submission).

Conditions:
Familial sleep-related hypermotor epilepsy. Also called: Autosomal Dominant Sleep-Related Hypermotor (Hyperkinetic) Epilepsy. Identifiers: Orphanet 98784, MedGen C3696898, MONDO:0000030.

Allele frequency attached by ClinVar (database versions not stated): gnomAD 0.00001; TOPMed 0.00001; gnomAD exomes below 0.00001.
gnomAD v4.1: 6 of 1,613,552 alleles (0.00037%); highest among the groups gnomAD compares: Non-Finnish European, 0.00051%; no homozygotes.

Submission:

Labcorp Genetics (formerly Invitae), Labcorp
Classification: Uncertain significance. Last evaluated: 2024-04-10. Review status: criteria provided, single submitter. Criteria: Invitae Variant Classification Sherloc (09022015). Collection method: clinical testing. Allele origin: germline.
Comment: This sequence change replaces phenylalanine, which is neutral and non-polar, with cysteine, which is neutral and slightly polar, at codon 144 of the CHRNA4 protein (p.Phe144Cys). This variant is not present in population databases (gnomAD no frequency). This variant has not been reported in the literature in individuals affected with CHRNA4-related conditions. This missense change has been observed in at least one individual who was not affected with CHRNA4-related conditions (Invitae). Advanced modeling of protein sequence and biophysical properties (such as structural, functional, and spatial information, amino acid conservation, physicochemical variation, residue mobility, and thermodynamic stability) performed at Invitae indicates that this missense variant is expected to disrupt CHRNA4 protein function with a positive predictive value of 80%. In summary, the available evidence is currently insufficient to determine the role of this variant in disease. Therefore, it has been classified as a Variant of Uncertain Significance.

NM_000744.7(CHRNA4):c.431T>G (p.Phe144Cys)

Gene: CHRNA4 (cholinergic receptor nicotinic alpha 4 subunit; minus strand). Cytogenetic location: 20q13.33.
Variant type: single nucleotide variant.
Coding change: c.431T>G on transcript NM_000744.7 (MANE Select); coding-DNA position 431, T replaced by G.
Protein change: p.Phe144Cys; replaces phenylalanine 144 with cysteine.
Molecular consequence: missense variant. On other transcripts: 5 prime UTR variant (1), non-coding transcript variant (1).
Genome position (GRCh38, 1-based): chr20:63,350,980, A>C on the plus strand (T>G on the coding strand, the complement: CHRNA4 is on the minus strand). VCF-style: chr20-63350980-A-C. GRCh37 (hg19) VCF-style: chr20-61982332-A-C.
Other names: c.-98T>G (NM_001256573.2); short protein forms F144C.
Identifiers: ClinVar variation 2917401 (VCV002917401.3), dbSNP rs2068588713, ClinGen allele CA409638749.